The following is an entry in ClinVar:

NM_001146197.3(LRTM3):c.17169T>C (p.His5723=)

Gene: LRTM3 (leucine rich repeat transmembrane protein 3; minus strand). Cytogenetic location: 13q33.1.
Variant type: single nucleotide variant.
Coding change: c.17169T>C on transcript NM_001146197.3 (MANE Select); coding-DNA position 17169, T replaced by C.
Protein change: p.His5723=; no amino-acid change (histidine 5723 retained).
Molecular consequence: synonymous variant.
Genome position (GRCh38, 1-based): chr13:102,733,528, A>G on the plus strand (T>C on the coding strand, the complement: LRTM3 is on the minus strand). VCF-style: chr13-102733528-A-G. GRCh37 (hg19) VCF-style: chr13-103385878-A-G.
Identifiers: ClinVar variation 2643905 (VCV002643905.24), dbSNP rs182741338, ClinGen allele CA7038892.

ClinVar aggregate classification (germline): Likely benign (1 of 4 stars; one submission).

Allele frequency attached by ClinVar (database versions not stated): ExAC 0.00041; TOPMed 0.00042; gnomAD 0.00062; ESP Exome Variant Server 0.00066; gnomAD exomes 0.00066.
gnomAD v4.1: 1,014 of 1,551,152 alleles (0.065%); highest among the groups gnomAD compares: Non-Finnish European, 0.081%; no homozygotes.

Submission:

CeGaT Center for Human Genetics Tuebingen
Classification: Likely benign. Last evaluated: 2023-03-01. Review status: criteria provided, single submitter. Criteria: CeGaT Center For Human Genetics Tuebingen Variant Classification Criteria Version 2. Collection method: clinical testing. Allele origin: germline. Affected: yes. Observed: 1 variant allele.
Comment: LRTM3: BP4, BP7